The following is an entry in ClinVar:

ClinVar aggregate classification (germline): Uncertain significance (1 of 4 stars; one submission).

Submission:

Labcorp Genetics (formerly Invitae), Labcorp
Classification: Uncertain significance. Last evaluated: 2021-08-31. Review status: criteria provided, single submitter. Criteria: Invitae Variant Classification Sherloc (09022015). Collection method: clinical testing. Allele origin: germline.
Comment: In summary, the available evidence is currently insufficient to determine the role of this variant in disease. Therefore, it has been classified as a Variant of Uncertain Significance. This sequence change replaces proline with alanine at codon 465 of the DUOX2 protein (p.Pro465Ala). The proline residue is moderately conserved and there is a small physicochemical difference between proline and alanine. This variant is not present in population databases (ExAC no frequency). This variant has not been reported in the literature in individuals affected with DUOX2-related conditions. Advanced modeling of protein sequence and biophysical properties (such as structural, functional, and spatial information, amino acid conservation, physicochemical variation, residue mobility, and thermodynamic stability) performed at Invitae indicates that this missense variant is not expected to disrupt DUOX2 protein function.

NM_001363711.2(DUOX2):c.1393C>G (p.Pro465Ala)

Gene: DUOX2 (dual oxidase 2; minus strand). Cytogenetic location: 15q21.1.
Variant type: single nucleotide variant.
Coding change: c.1393C>G on transcript NM_001363711.2 (MANE Select); coding-DNA position 1393, C replaced by G.
Protein change: p.Pro465Ala; replaces proline 465 with alanine.
Molecular consequence: missense variant.
Genome position (GRCh38, 1-based): chr15:45,108,794, G>C on the plus strand (C>G on the coding strand, the complement: DUOX2 is on the minus strand). VCF-style: chr15-45108794-G-C. GRCh37 (hg19) VCF-style: chr15-45400992-G-C.
Other names: c.1393C>G, p.Pro465Ala (NM_014080.5); short protein forms P465A.
Identifiers: ClinVar variation 1516475 (VCV001516475.6), dbSNP rs774177514, ClinGen allele CA392276727.